The following is an entry in ClinVar:

NC_000016.9:g.(?_68845577)_(68849672_?)del

Gene: CDH1 (cadherin 1; plus strand). Cytogenetic location: 16q22.1.
Variant type: Deletion.
Identifiers: ClinVar variation 2425079 (VCV002425079.5).

ClinVar aggregate classification (germline): Pathogenic (1 of 4 stars; one submission).

Conditions:
Hereditary diffuse gastric adenocarcinoma (HDGC). Also called: DIFFUSE GASTRIC AND LOBULAR BREAST CANCER SYNDROME. Identifiers: Orphanet 26106, MedGen C1708349, MONDO:0007648, OMIM 137215.

Submission:

Labcorp Genetics (formerly Invitae), Labcorp
Classification: Pathogenic for Hereditary diffuse gastric adenocarcinoma. Last evaluated: 2022-04-16. Review status: criteria provided, single submitter. Criteria: Invitae Variant Classification Sherloc (09022015). Collection method: clinical testing. Allele origin: germline.
Comment: This variant is a gross deletion of the genomic region encompassing exon(s) 7-10 of the CDH1 gene. This deletion is out-of-frame, and is expected to create a premature termination codon and result in an absent or disrupted protein product. Loss-of-function variants in CDH1 are known to be pathogenic (PMID: 15235021, 20373070). This variant has not been reported in the literature in individuals affected with CDH1-related conditions. For these reasons, this variant has been classified as Pathogenic.

Literature cited by the submitters: PubMed 15235021; PubMed 20373070.